The following is an entry in ClinVar:

ClinVar aggregate classification (germline): Uncertain significance (1 of 4 stars; one submission).

Submission:

CeGaT Center for Human Genetics Tuebingen
Classification: Uncertain significance. Last evaluated: 2022-10-01. Review status: criteria provided, single submitter. Criteria: CeGaT Center For Human Genetics Tuebingen Variant Classification Criteria Version 2. Collection method: clinical testing. Allele origin: germline. Affected: yes. Observed: 1 variant allele.
Comment: CDK13: PM2, PS2:Moderate, PP2

NM_003718.5(CDK13):c.172C>G (p.Leu58Val)

Gene: CDK13 (cyclin dependent kinase 13; plus strand). Cytogenetic location: 7p14.1.
Variant type: single nucleotide variant.
Coding change: c.172C>G on transcript NM_003718.5 (MANE Select); coding-DNA position 172, C replaced by G.
Protein change: p.Leu58Val; replaces leucine 58 with valine.
Molecular consequence: missense variant.
Genome position (GRCh38, 1-based): chr7:39,950,813, C>G. VCF-style: chr7-39950813-C-G. GRCh37 (hg19) VCF-style: chr7-39990412-C-G.
Other names: c.172C>G, p.Leu58Val (NM_031267.4); short protein forms L58V.
Identifiers: ClinVar variation 2657396 (VCV002657396.24), dbSNP rs1255172268, ClinGen allele CA367308807.
Genomic context (GRCh38, chr7:39,950,813, plus strand): 5'-CCGCTGCTGTTGCCGCTCCTGCAGCCGCAGCTCCTGCAACCGCCGCCGCCCCCGCCGCCT[C>G]TGCTCTTCCTGGCTGCTCCCGGCACGGCCGCCGCCGCAGCCGCCGCCGCCGCGGCCTCCT-3'
Protein context (NP_003709.3, residues 48-68): LLQPPPPPPP[Leu58Val]LFLAAPGTAA